The following is an entry in ClinVar:

ClinVar aggregate classification (germline): Likely pathogenic (1 of 4 stars; one submission).

Conditions:
Familial intrahepatic cholestasis. Identifiers: Orphanet 284385, MedGen CN296401, MONDO:0017290.

Submission:

Genomenon, Inc
Classification: Likely pathogenic for Familial intrahepatic cholestasis. Last evaluated: 2026-04-14. Review status: criteria provided, single submitter. Criteria: Genomenon Sequence Variant Interpretation Standards - Updated. Collection method: curation. Allele origin: germline. Affected: yes.
Comment: ABCB11 p.Met878_Ile879delinsLysArg (c.[2633T>A;2636T>G]) is an in-frame deletion-insertion variant that replaces Methionine at position 878 and Isoleucine at position 879 with Lysine and Arginine. This variant has been observed in at least one proband with an ABCB11-related disorder (PMID:39143102;37697751). It has been observed in trans with a pathogenic or likely pathogenic variant (PMID:37697751). It is absent or not present at a significant frequency in gnomAD. In conclusion, we classify ABCB11 p.Met878_Ile879delinsLysArg (c.[2633T>A;2636T>G]) as a likely pathogenic variant.

Literature cited by the submitters: PubMed 39143102; PubMed 37697751.

NM_003742.4(ABCB11):c.[2633T>A;2636T>G]

Variant type: Haplotype.
Identifiers: ClinVar variation 4846108 (VCV004846108.1).